The following is an entry in ClinVar:

ClinVar aggregate classification (germline): Likely pathogenic (1 of 4 stars; one submission).

Conditions:
Alagille syndrome due to a JAG1 point mutation. Also called: Alagille Syndrome 1; JAG1-Related Alagille Syndrome; HEPATIC DUCTULAR HYPOPLASIA, SYNDROMATIC. Identifiers: Orphanet 261619, Orphanet 52, MedGen C1956125, MONDO:0016862, OMIM 118450.

Submission:

Neuberg Centre For Genomic Medicine, NCGM
Classification: Likely pathogenic for Alagille syndrome due to a JAG1 point mutation. Last evaluated: 2023-07-22. Review status: criteria provided, single submitter. Criteria: ACMG Guidelines, 2015. Collection method: clinical testing. Allele origin: germline. Inheritance: Autosomal dominant inheritance. Affected: yes.
Comment: The frameshift c.2898_2899dupp.Lys967ThrfsTer4 variant in JAG1 gene has not been reported previously as a pathogenic variant nor as a benign variant, to our knowledge. The p.Lys967ThrfsTer4 variant is absent in gnomAD Exomes. This variant has not been submitted to the ClinVar database. This variant causes a frameshift starting with codon Lysine 967, changes this amino acid to Threonine residue, and creates a premature Stop codon at position 4 of the new reading frame, denoted p.Lys967ThrfsTer4. This variant is predicted to cause loss of normal protein function through protein truncation. Loss of function variants have been previously reported to be disease causing. Functional studies are required to prove pathogenicity of the variant. For these reasons, this variant has been classified as Likely Pathogenic.

NM_000214.3(JAG1):c.2898_2899dup (p.Lys967fs)

Gene: JAG1 (jagged canonical Notch ligand 1; minus strand). Cytogenetic location: 20p12.2.
Variant type: Duplication.
Coding change: c.2898_2899dup on transcript NM_000214.3 (MANE Select); coding-DNA positions 2898 to 2899, 2 bases duplicated (CA; older notation c.2898_2899dupCA).
Protein change: p.Lys967fs; shifts the reading frame from lysine 967.
Molecular consequence: frameshift variant.
Genome position (GRCh38, 1-based): chr20:10,641,477-10,641,478, TG duplicated on the plus strand (CA on the coding strand, the reverse complement: JAG1 is on the minus strand); duplicating any 2 consecutive bases within chr20:10,641,477-10,641,479 gives the same sequence; the c. name uses the placement nearest the transcript's 3' end. VCF-style (leftmost placement, unchanged base first): chr20-10641476-T-TTG. GRCh37 (hg19) VCF-style: chr20-10622124-T-TTG.
Other names: short protein forms K967fs.
Identifiers: ClinVar variation 3391370 (VCV003391370.1).
Genomic context (GRCh38, chr20:10,641,476, plus strand): 5'-GCAGACATCCACCATTCAAAAAAAAAACAAAGGTTGTTACATACTGGTGACATCATCTCC[T>TTG]TGTTAAAGGTAAATGTGATGTTCGCACAGTTATCCTGGTAATAGGAGTCAGAGGTGCACT-3'